The following is an entry in ClinVar:

ClinVar aggregate classification (germline): Likely benign. Review status: criteria provided, multiple submitters, no conflicts (2 of 4 stars). 2 submissions from 2 submitters: Likely benign (2). Last evaluated 2025-07-30.

Conditions:
Breast-ovarian cancer, familial, susceptibility to, 4. Identifiers: Orphanet 145, MedGen C3280345, MONDO:0013669, OMIM 614291.

Submissions (2):

Labcorp Genetics (formerly Invitae), Labcorp
Classification: Likely benign for Breast-ovarian cancer, familial, susceptibility to, 4. Last evaluated: 2025-07-30. Review status: criteria provided, single submitter. Criteria: Invitae Variant Classification Sherloc (09022015). Collection method: clinical testing. Allele origin: germline.

Myriad Genetics, Inc.
Classification: Likely benign for Breast-ovarian cancer, familial, susceptibility to, 4. Last evaluated: 2025-02-20. Review status: criteria provided, single submitter. Criteria: Myriad Autosomal Dominant, Autosomal Recessive and X-Linked Classification Criteria (2023). Collection method: clinical testing. Allele origin: unknown.
Comment: This variant is considered likely benign. This variant is intronic and is not expected to impact mRNA splicing.

NM_002878.4(RAD51D):c.82+8G>T

Genes: RAD51L3-RFFL (RAD51L3-RFFL readthrough; minus strand), RAD51D (RAD51 paralog D; minus strand). Cytogenetic location: 17q12.
Variant type: single nucleotide variant.
Coding change: c.82+8G>T on transcript NM_002878.4 (MANE Select); 8 bases into the intron after coding-DNA position 82, G replaced by T.
Molecular consequence: intron variant.
Genome position (GRCh38, 1-based): chr17:35,119,524, C>A on the plus strand (G>T on the coding strand, the complement: RAD51D is on the minus strand). VCF-style: chr17-35119524-C-A. GRCh37 (hg19) VCF-style: chr17-33446543-C-A.
Other names: c.82+8G>T (NM_133629.3, NM_001142571.2).
Identifiers: ClinVar variation 1441593 (VCV001441593.9), dbSNP rs2142479976, ClinGen allele CA2573153706.